The following is an entry in ClinVar:

ClinVar aggregate classification (germline): Likely benign (0 of 4 stars; one submission).

Conditions:
PLXNA4-related disorder. Also called: PLXNA4-related condition.

Allele frequency attached by ClinVar (database versions not stated): gnomAD 0.00002; TOPMed 0.00005.
gnomAD v4.1: 103 of 1,613,964 alleles (0.0064%); highest among the groups gnomAD compares: East Asian, 0.025%; no homozygotes.

Submission:

PreventionGenetics, part of Exact Sciences
Classification: Likely benign for PLXNA4-related condition. Last evaluated: 2023-01-18. Review status: no assertion criteria provided. Collection method: clinical testing. Allele origin: germline.
Comment: This variant is classified as likely benign based on ACMG/AMP sequence variant interpretation guidelines (Richards et al. 2015 PMID: 25741868, with internal and published modifications).

NM_020911.2(PLXNA4):c.5196G>A (p.Pro1732=)

Gene: PLXNA4 (plexin A4; minus strand). Cytogenetic location: 7q32.3.
Variant type: single nucleotide variant.
Coding change: c.5196G>A on transcript NM_020911.2 (MANE Select); coding-DNA position 5196, G replaced by A.
Protein change: p.Pro1732=; no amino-acid change (proline 1732 retained).
Molecular consequence: synonymous variant.
Genome position (GRCh38, 1-based): chr7:132,145,148, C>T on the plus strand (G>A on the coding strand, the complement: PLXNA4 is on the minus strand). VCF-style: chr7-132145148-C-T. GRCh37 (hg19) VCF-style: chr7-131829907-C-T.
Other names: c.5196G>A, p.Pro1732= (NM_001393897.1).
Identifiers: ClinVar variation 3054509 (VCV003054509.2), dbSNP rs777575896, ClinGen allele CA4488974.